The following is an entry in ClinVar:

ClinVar aggregate classification (germline): Conflicting classifications of pathogenicity. Review status: criteria provided, conflicting classifications (1 of 4 stars). 4 submissions from 4 submitters: Uncertain significance (2); Likely benign (1). 1 of the submissions does not count toward it. Last evaluated 2024-10-17.

Conditions:
ITGA3-related disorder. Also called: ITGA3-related condition.

Allele frequency attached by ClinVar (database versions not stated): 1000 Genomes Project 0.00060; gnomAD 0.00060 and 0.00062; 1000 Genomes Project 30x 0.00062; TOPMed 0.00063; gnomAD exomes 0.00090 and 0.00122; ExAC 0.00114; ESP Exome Variant Server 0.00131.
gnomAD v4.1: 1,857 of 1,613,742 alleles (0.12%); highest among the groups gnomAD compares: Non-Finnish European, 0.15%; 2 homozygotes.

Submissions (4):

Blueprint Genetics
Classification: Likely benign. Last evaluated: 2024-10-17. Review status: criteria provided, single submitter. Criteria: ACMG Guidelines, 2015. Collection method: clinical testing. Allele origin: germline.

GeneDx
Classification: Uncertain significance. Last evaluated: 2023-02-27. Review status: criteria provided, single submitter. Criteria: GeneDx Variant Classification Process June 2021. Collection method: clinical testing. Allele origin: germline. Affected: yes.
Comment: In silico analysis supports that this missense variant does not alter protein structure/function; Has not been previously published as pathogenic or benign to our knowledge

Labcorp Genetics (formerly Invitae), Labcorp
Classification: Uncertain significance. Last evaluated: 2022-06-09. Review status: criteria provided, single submitter. Criteria: Invitae Variant Classification Sherloc (09022015). Collection method: clinical testing. Allele origin: germline.
Comment: This sequence change replaces valine, which is neutral and non-polar, with methionine, which is neutral and non-polar, at codon 734 of the ITGA3 protein (p.Val734Met). This variant is present in population databases (rs139340161, gnomAD 0.2%), and has an allele count higher than expected for a pathogenic variant. This variant has not been reported in the literature in individuals affected with ITGA3-related conditions. ClinVar contains an entry for this variant (Variation ID: 1311930). Algorithms developed to predict the effect of missense changes on protein structure and function are either unavailable or do not agree on the potential impact of this missense change (SIFT: "Tolerated"; PolyPhen-2: "Possibly Damaging"; Align-GVGD: "Class C0"). In summary, the available evidence is currently insufficient to determine the role of this variant in disease. Therefore, it has been classified as a Variant of Uncertain Significance.

PreventionGenetics, part of Exact Sciences
Classification: Likely benign for ITGA3-related condition. Last evaluated: 2024-08-26. Review status: no assertion criteria provided. Collection method: clinical testing. Allele origin: germline. Not counted in ClinVar's aggregate classification.
Comment: This variant is classified as likely benign based on ACMG/AMP sequence variant interpretation guidelines (Richards et al. 2015 PMID: 25741868, with internal and published modifications).

NM_002204.4(ITGA3):c.2200G>A (p.Val734Met)

Gene: ITGA3 (integrin subunit alpha 3; plus strand). Cytogenetic location: 17q21.33.
Variant type: single nucleotide variant.
Coding change: c.2200G>A on transcript NM_002204.4 (MANE Select); coding-DNA position 2200, G replaced by A.
Protein change: p.Val734Met; replaces valine 734 with methionine.
Molecular consequence: missense variant.
Genome position (GRCh38, 1-based): chr17:50,078,106, G>A. VCF-style: chr17-50078106-G-A. GRCh37 (hg19) VCF-style: chr17-48155470-G-A.
Other names: c.2200G>A (NM_002204.3); short protein forms V734M.
Identifiers: ClinVar variation 1311930 (VCV001311930.7), dbSNP rs139340161, ClinGen allele CA8641849.